The following is an entry in ClinVar:

NM_001374259.2(IL12RB2):c.1771C>T (p.Arg591Ter)

Gene: IL12RB2 (interleukin 12 receptor subunit beta 2; plus strand). Cytogenetic location: 1p31.3.
Variant type: single nucleotide variant.
Coding change: c.1771C>T on transcript NM_001374259.2 (MANE Select); coding-DNA position 1771, C replaced by T.
Protein change: p.Arg591Ter; replaces arginine 591 with a stop codon.
Molecular consequence: nonsense. On other transcripts: non-coding transcript variant (2).
Genome position (GRCh38, 1-based): chr1:67,380,039, C>T. VCF-style: chr1-67380039-C-T. GRCh37 (hg19) VCF-style: chr1-67845722-C-T.
Other names: c.1771C>T, p.Arg591Ter (NM_001258214.1, NM_001258216.1, NM_001319233.1 and 1 more transcripts); c.1513C>T, p.Arg505Ter (NM_001258215.1); short protein forms R591*, R505*.
Identifiers: ClinVar variation 1400994 (VCV001400994.6), dbSNP rs747275300, ClinGen allele CA900571.
Genomic context (GRCh38, chr1:67,380,039, plus strand): 5'-CTTTCAGAAATTCCCTACAGAGTCTCCCAAAATTCACATCCAATAAACAGCCTGCAGCCC[C>T]GAGTGACATATGTCCTGTGGATGACAGCTCTGACAGCTGCTGGTGAAAGTTCCCACGGAA-3'

ClinVar aggregate classification (germline): Uncertain significance (1 of 4 stars; one submission).

Allele frequency attached by ClinVar (database versions not stated): ExAC 0.00001; gnomAD exomes 0.00001; TOPMed 0.00001; gnomAD 0.00002.
gnomAD v4.1: 11 of 1,612,698 alleles (0.00068%); highest among the groups gnomAD compares: South Asian, 0.0055%; no homozygotes.

Submission:

Labcorp Genetics (formerly Invitae), Labcorp
Classification: Uncertain significance. Last evaluated: 2023-12-24. Review status: criteria provided, single submitter. Criteria: Invitae Variant Classification Sherloc (09022015). Collection method: clinical testing. Allele origin: germline.
Comment: This sequence change creates a premature translational stop signal (p.Arg591*) in the IL12RB2 gene. It is expected to result in an absent or disrupted protein product. However, the current clinical and genetic evidence is not sufficient to establish whether loss-of-function variants in IL12RB2 cause disease. This variant is present in population databases (rs747275300, gnomAD 0.1%). This variant has not been reported in the literature in individuals affected with IL12RB2-related conditions. ClinVar contains an entry for this variant (Variation ID: 1400994). In summary, the available evidence is currently insufficient to determine the role of this variant in disease. Therefore, it has been classified as a Variant of Uncertain Significance.